The following is an entry in ClinVar:

NM_000038.6(APC):c.646-431A>C

Gene: APC (APC regulator of WNT signaling pathway; plus strand). Cytogenetic location: 5q22.2.
Variant type: single nucleotide variant.
Coding change: c.646-431A>C on transcript NM_000038.6 (MANE Select); 431 bases into the intron before coding-DNA position 646, A replaced by C.
Molecular consequence: intron variant.
Genome position (GRCh38, 1-based): chr5:112,792,015, A>C. VCF-style: chr5-112792015-A-C. GRCh37 (hg19) VCF-style: chr5-112127712-A-C.
Other names: c.646-431A>C (NM_001354895.2, NM_001127510.3, NM_001354896.2 and 1 more transcripts); c.676-431A>C (NM_001354897.2, NM_001354902.2); c.676-9264A>C (NM_001127511.3); c.571-431A>C (NM_001354898.2, NM_001354904.2); c.-390-431A>C (NM_001354906.2); c.646-9264A>C (NM_001354899.2); c.469-431A>C (NM_001354900.2, NM_001354901.2, NM_001354905.2).
Identifiers: ClinVar variation 82476 (VCV000082476.2), dbSNP rs76248317, ClinGen allele CA011952.
Genomic context (GRCh38, chr5:112,792,015, plus strand): 5'-CTGACCCAGGGCCGGGCACAGTGGCTCACGCCTGTAAGCCCACAGCACTTTGGGAAGCCG[A>C]GGCAGGCGGATCACAAGGTCAGGACTTCGAGACCAGCCTGGCCAGTATGGTGAAACCCCA-3'

ClinVar aggregate classification (germline): other (0 of 4 stars; one submission).

Conditions:
Familial colorectal cancer. Identifiers: MedGen CN280943, MONDO:0023113. Disease mechanism: loss of function.

Submission:

Systems Biology Platform Zhejiang California International NanoSystems Institute
Classification: other for Familial colorectal cancer. Review status: no assertion criteria provided. Collection method: not provided. Allele origin: unknown.
ClinVar note: Converted during submission from cancer to other.